The following is an entry in ClinVar:

NM_001458.5(FLNC):c.5552A>G (p.Gln1851Arg)

Genes: FLNC-AS1 (FLNC antisense RNA 1; minus strand), FLNC (filamin C; plus strand). Cytogenetic location: 7q32.1.
Variant type: single nucleotide variant.
Coding change: c.5552A>G on transcript NM_001458.5 (MANE Select); coding-DNA position 5552, A replaced by G.
Protein change: p.Gln1851Arg; replaces glutamine 1851 with arginine.
Molecular consequence: missense variant.
Genome position (GRCh38, 1-based): chr7:128,851,244, A>G. VCF-style: chr7-128851244-A-G. GRCh37 (hg19) VCF-style: chr7-128491298-A-G.
Other names: c.5453A>G, p.Gln1818Arg (NM_001127487.2); short protein forms Q1818R, Q1851R.
Identifiers: ClinVar variation 3751877 (VCV003751877.3).
Genomic context (GRCh38, chr7:128,851,244, plus strand): 5'-AGATAATCCCTGATGCTGACCCAGCCCCCTTTTTCTCTGTATCCCCAGGGAGCCCCTTAC[A>G]GTTCTATGTGGATGCCATCAACAGCCGCCATGTCAGTGCCTATGGGCCAGGCCTGAGCCA-3'
Protein context (NP_001449.3, residues 1841-1861): DGNHIPGSPL[Gln1851Arg]FYVDAINSRH

ClinVar aggregate classification (germline): Uncertain significance. Review status: criteria provided, multiple submitters, no conflicts (2 of 4 stars). 2 submissions from 2 submitters: Uncertain significance (2). Last evaluated 2025-03-27.

Conditions:
Distal myopathy with posterior leg and anterior hand involvement. Also called: WILLIAMS DISTAL MYOPATHY. Identifiers: Orphanet 63273, MedGen C3279722, MONDO:0013550, OMIM 614065.
Hypertrophic cardiomyopathy 26. Also called: Cardiomyopathy, familial hypertrophic, 26. Identifiers: Orphanet 75249, MedGen C4310749, MONDO:0014883, OMIM 617047.
Myofibrillar myopathy 5. Also called: Filaminopathy (type); FILAMINOPATHY, AUTOSOMAL DOMINANT. Identifiers: Orphanet 171445, MedGen C1836050, MONDO:0012289, OMIM 609524.

Submissions (2):

GeneDx
Classification: Uncertain significance. Last evaluated: 2025-03-27. Review status: criteria provided, single submitter. Criteria: GeneDx Variant Classification Process June 2021. Collection method: clinical testing. Allele origin: germline. Affected: yes.
Comment: Not observed at significant frequency in large population cohorts (gnomAD); In silico analysis supports that this missense variant has a deleterious effect on protein structure/function; Has not been previously published as pathogenic or benign to our knowledge

Labcorp Genetics (formerly Invitae), Labcorp
Classification: Uncertain significance for Distal myopathy with posterior leg and anterior hand involvement; Myofibrillar myopathy 5; Hypertrophic cardiomyopathy 26. Last evaluated: 2025-03-25. Review status: criteria provided, single submitter. Criteria: Invitae Variant Classification Sherloc (09022015). Collection method: clinical testing. Allele origin: germline.
Comment: This sequence change replaces glutamine, which is neutral and polar, with arginine, which is basic and polar, at codon 1851 of the FLNC protein (p.Gln1851Arg). This variant is not present in population databases (gnomAD no frequency). This variant has not been reported in the literature in individuals affected with FLNC-related conditions. Invitae Evidence Modeling of protein sequence and biophysical properties (such as structural, functional, and spatial information, amino acid conservation, physicochemical variation, residue mobility, and thermodynamic stability) has been performed for this missense variant. However, the output from this modeling did not meet the statistical confidence thresholds required to predict the impact of this variant on FLNC protein function. In summary, the available evidence is currently insufficient to determine the role of this variant in disease. Therefore, it has been classified as a Variant of Uncertain Significance.